The following is an entry in ClinVar:

ClinVar aggregate classification (germline): Uncertain significance (1 of 4 stars; one submission).

Conditions:
Hereditary breast ovarian cancer syndrome. Also called: Hereditary breast and ovarian cancer syndrome; Hereditary breast and ovarian cancer; Hereditary breast and ovarian cancer syndrome (HBOC); Hereditary breast and/or ovarian cancer syndrome; Breast and ovarian cancer; BRCA1- and BRCA2-Associated Hereditary Breast and Ovarian Cancer. Identifiers: Orphanet 145, MedGen C0677776, MeSH D061325, MONDO:0003582. Disease mechanism: loss of function.

Submission:

Labcorp Genetics (formerly Invitae), Labcorp
Classification: Uncertain significance for Hereditary breast ovarian cancer syndrome. Last evaluated: 2023-06-20. Review status: criteria provided, single submitter. Criteria: Invitae Variant Classification Sherloc (09022015). Collection method: clinical testing. Allele origin: germline.
Comment: This variant has not been reported in the literature in individuals affected with BRCA2-related conditions. This variant is not present in population databases (gnomAD no frequency). This sequence change replaces arginine, which is basic and polar, with glycine, which is neutral and non-polar, at codon 2034 of the BRCA2 protein (p.Arg2034Gly). Advanced modeling of protein sequence and biophysical properties (such as structural, functional, and spatial information, amino acid conservation, physicochemical variation, residue mobility, and thermodynamic stability) performed at Invitae indicates that this missense variant is not expected to disrupt BRCA2 protein function. In summary, the available evidence is currently insufficient to determine the role of this variant in disease. Therefore, it has been classified as a Variant of Uncertain Significance.

NM_000059.4(BRCA2):c.6100C>G (p.Arg2034Gly)

Gene: BRCA2 (BRCA2 DNA repair associated; plus strand). Cytogenetic location: 13q13.1.
Variant type: single nucleotide variant.
Coding change: c.6100C>G on transcript NM_000059.4 (MANE Select); coding-DNA position 6100, C replaced by G.
Protein change: p.Arg2034Gly; replaces arginine 2034 with glycine.
Molecular consequence: missense variant. On other transcripts: non-coding transcript variant (1), intron variant (2).
Genome position (GRCh38, 1-based): chr13:32,340,455, C>G. VCF-style: chr13-32340455-C-G. GRCh37 (hg19) VCF-style: chr13-32914592-C-G.
Other names: c.6100C>G, p.Arg2034Gly (NM_001406719.1, NM_001406720.1); c.1910-4103C>G (NM_001406721.1); c.425-4103C>G (NM_001406722.1); short protein forms R2034G.
Identifiers: ClinVar variation 2719621 (VCV002719621.3), dbSNP rs1799954, ClinGen allele CA387788091.